The following is an entry in ClinVar:

ClinVar aggregate classification (germline): Benign/Likely benign. Review status: criteria provided, multiple submitters, no conflicts (2 of 4 stars). 5 submissions from 4 submitters: Benign (3); Likely benign (2). Last evaluated 2026-01-24.

Conditions:
Freeman-Sheldon syndrome (DA2A). Also called: Arthrogryposis, distal, type 2A (Freeman-Sheldon); CRANIOCARPOTARSAL DYSPLASIA; CRANIOCARPOTARSAL DYSTROPHY; WHISTLING FACE-WINDMILL VANE HAND SYNDROME. Identifiers: Orphanet 2053, MedGen C0265224, MONDO:0008675, OMIM 193700.
Distal arthrogryposis type 2B1 (DA2B1). Also called: Arthrogryposis multiplex congenita distal type II with craniofacial abnormalities. Identifiers: Orphanet 1147, MedGen C5193014, MONDO:0020820, OMIM 601680.

Allele frequency attached by ClinVar (database versions not stated): 1000 Genomes Project 0.00539; gnomAD 0.00579 and 0.00621; 1000 Genomes Project 30x 0.00609; ESP Exome Variant Server 0.00638; TOPMed 0.00653.
gnomAD v4.1: 1,771 of 1,613,922 alleles (0.11%); highest among the groups gnomAD compares: African/African-American, 2.1%; 19 homozygotes.

Submissions (5):

Labcorp Genetics (formerly Invitae), Labcorp
Classification: Benign. Last evaluated: 2026-01-24. Review status: criteria provided, single submitter. Criteria: Invitae Variant Classification Sherloc (09022015). Collection method: clinical testing. Allele origin: germline.

GeneDx
Classification: Likely benign. Last evaluated: 2020-10-13. Review status: criteria provided, single submitter. Criteria: GeneDx Variant Classification Process June 2021. Collection method: clinical testing. Allele origin: germline. Affected: yes.

Illumina Laboratory Services, Illumina
Classification: Benign for Freeman-Sheldon syndrome. Last evaluated: 2018-01-12. Review status: criteria provided, single submitter. Criteria: ICSL Variant Classification Criteria 13 December 2019. Collection method: clinical testing. Allele origin: germline.
Comment: This variant was observed in the ICSL laboratory as part of a predisposition screen in an ostensibly healthy population. It had not been previously curated by ICSL or reported in the Human Gene Mutation Database (HGMD: prior to June 1st, 2018), and was therefore a candidate for classification through an automated scoring system. Utilizing variant allele frequency, disease prevalence and penetrance estimates, and inheritance mode, an automated score was calculated to assess if this variant is too frequent to cause the disease. Based on the score and internal cut-off values, a variant classified as benign is not then subjected to further curation. The score for this variant resulted in a classification of benign for this disease.

Illumina Laboratory Services, Illumina
Classification: Benign for Distal arthrogryposis type 2B1. Last evaluated: 2018-01-12. Review status: criteria provided, single submitter. Criteria: ICSL Variant Classification Criteria 13 December 2019. Collection method: clinical testing. Allele origin: germline.
Comment: the same text as in the submission from Illumina Laboratory Services, Illumina above.

Breakthrough Genomics
Classification: Likely benign. Review status: criteria provided, single submitter. Criteria: ACMG Guidelines, 2015. Collection method: not provided. Allele origin: germline. Inheritance: Autosomal recessive inheritance. Affected: yes.

NM_002470.4(MYH3):c.453C>T (p.Ala151=)

Gene: MYH3 (myosin heavy chain 3; minus strand). Cytogenetic location: 17p13.1.
Variant type: single nucleotide variant.
Coding change: c.453C>T on transcript NM_002470.4 (MANE Select); coding-DNA position 453, C replaced by T.
Protein change: p.Ala151=; no amino-acid change (alanine 151 retained).
Molecular consequence: synonymous variant.
Genome position (GRCh38, 1-based): chr17:10,651,564, G>A on the plus strand (C>T on the coding strand, the complement: MYH3 is on the minus strand). VCF-style: chr17-10651564-G-A. GRCh37 (hg19) VCF-style: chr17-10554881-G-A.
Identifiers: ClinVar variation 703826 (VCV000703826.19), dbSNP rs7214436, ClinGen allele CA8393277.